The following is an entry in ClinVar:

ClinVar aggregate classification (germline): Conflicting classifications of pathogenicity. Review status: criteria provided, conflicting classifications (1 of 4 stars). 5 submissions from 5 submitters: Uncertain significance (4); Likely benign (1). Last evaluated 2025-10-07.

Conditions:
Intellectual disability, autosomal dominant 16 (CSS4). Also called: COFFIN-SIRIS SYNDROME 4. Identifiers: Orphanet 1465, MedGen C3553249, MONDO:0013821, OMIM 614609.
Rhabdoid tumor predisposition syndrome 2 (RTPS2). Identifiers: Orphanet 231108, Orphanet 69077, MedGen C2750074, MONDO:0013224, OMIM 613325.
Hereditary cancer-predisposing syndrome. Also called: Hereditary neoplastic syndrome; Tumor predisposition; Neoplastic Syndromes, Hereditary; Hereditary Cancer Syndrome. Identifiers: Orphanet 140162, MedGen C0027672, MeSH D009386, MONDO:0015356.

Allele frequency attached by ClinVar (database versions not stated): gnomAD exomes 0.00001; gnomAD 0.00001; TOPMed below 0.00001.
gnomAD v4.1: 10 of 1,612,602 alleles (0.00062%); highest among the groups gnomAD compares: East Asian, 0.0022%; no homozygotes.

Submissions (5):

Labcorp Genetics (formerly Invitae), Labcorp
Classification: Uncertain significance for Rhabdoid tumor predisposition syndrome 2. Last evaluated: 2025-10-07. Review status: criteria provided, single submitter. Criteria: Invitae Variant Classification Sherloc (09022015). Collection method: clinical testing. Allele origin: germline.
Comment: This sequence change replaces lysine, which is basic and polar, with glutamic acid, which is acidic and polar, at codon 1598 of the SMARCA4 protein (p.Lys1598Glu). This variant is not present in population databases (gnomAD no frequency). This variant has not been reported in the literature in individuals affected with SMARCA4-related conditions. ClinVar contains an entry for this variant (Variation ID: 655919). Invitae Evidence Modeling of protein sequence and biophysical properties (such as structural, functional, and spatial information, amino acid conservation, physicochemical variation, residue mobility, and thermodynamic stability) indicates that this missense variant is not expected to disrupt SMARCA4 protein function with a negative predictive value of 95%. In summary, the available evidence is currently insufficient to determine the role of this variant in disease. Therefore, it has been classified as a Variant of Uncertain Significance.

Ambry Genetics
Classification: Likely benign for Hereditary cancer-predisposing syndrome. Last evaluated: 2023-02-28. Review status: criteria provided, single submitter. Criteria: Ambry Variant Classification Scheme 2023. Collection method: clinical testing. Allele origin: germline.

Genome-Nilou Lab
Classification: Uncertain significance for Intellectual disability, autosomal dominant 16. Last evaluated: 2021-07-15. Review status: criteria provided, single submitter. Criteria: ACMG Guidelines, 2015. Collection method: clinical testing. Allele origin: germline. Affected: no.

GeneDx
Classification: Uncertain significance. Last evaluated: 2020-07-14. Review status: criteria provided, single submitter. Criteria: GeneDx Variant Classification Process June 2021. Collection method: clinical testing. Allele origin: germline. Affected: yes.
Comment: Not observed in large population cohorts (Lek et al., 2016); In silico analysis supports that this missense variant does not alter protein structure/function; Has not been previously published as pathogenic or benign to our knowledge

Neuberg Centre For Genomic Medicine, NCGM
Classification: Uncertain significance for Rhabdoid tumor predisposition syndrome 2. Review status: criteria provided, single submitter. Criteria: ACMG Guidelines, 2015. Collection method: clinical testing. Allele origin: germline. Inheritance: Autosomal dominant inheritance. Affected: yes.
Comment: The missense variant in c.4696A>G (p.Lys1566Glu) in SMARCA4 gene has not been reported previously as a pathogenic variant nor as a benign variant, to our knowledge. The p.Lys1566Glu variant is novel (not in any individuals) in gnomAD Exomes and 1000 Genomes. The amino acid Lys at position 1566 is changed to a Glu changing protein sequence and it might alter its composition and physico-chemical properties. This variant has been reported to the ClinVar database as Uncertain significance. For these reasons, this variant has been classified as Uncertain Significance.

NM_003072.5(SMARCA4):c.4696A>G (p.Lys1566Glu)

Gene: SMARCA4 (SWI/SNF related BAF chromatin remodeling complex subunit ATPase 4; plus strand). Cytogenetic location: 19p13.2.
Variant type: single nucleotide variant.
Coding change: c.4696A>G on transcript NM_003072.5 (MANE Select); coding-DNA position 4696, A replaced by G.
Protein change: p.Lys1566Glu; replaces lysine 1566 with glutamic acid.
Molecular consequence: missense variant. On other transcripts: non-coding transcript variant (1).
Genome position (GRCh38, 1-based): chr19:11,059,813, A>G. VCF-style: chr19-11059813-A-G. GRCh37 (hg19) VCF-style: chr19-11170489-A-G.
Other names: c.4696A>G, p.Lys1566Glu (NM_001128844.3); c.4606A>G, p.Lys1536Glu (NM_001128845.2); c.4603A>G, p.Lys1535Glu (NM_001128846.2); c.4597A>G, p.Lys1533Glu (NM_001128847.4, NM_001374457.1); c.4594A>G, p.Lys1532Glu (NM_001128848.2); c.4792A>G, p.Lys1598Glu (NM_001128849.3, NM_001387283.1); short protein forms K1566E, K1598E, K1532E, K1533E, K1536E, K1535E.
Identifiers: ClinVar variation 655919 (VCV000655919.17), dbSNP rs1470609623, ClinGen allele CA404079413.